The following is an entry in ClinVar:

ClinVar aggregate classification (germline): Uncertain significance (1 of 4 stars; one submission).

Conditions:
Generalized epilepsy with febrile seizures plus, type 7 (GEFSP7). Also called: GEFS+, TYPE 7. Identifiers: Orphanet 36387, MedGen C2751778, MONDO:0013470, OMIM 613863.
Neuropathy, hereditary sensory and autonomic, type 2A (HSAN2A). Also called: HSAN IIA; MORVAN DISEASE; NEUROPATHY, CONGENITAL SENSORY; NEUROPATHY, HEREDITARY SENSORY RADICULAR, AUTOSOMAL RECESSIVE; NEUROPATHY, HEREDITARY SENSORY, TYPE IIA; NEUROPATHY, PROGRESSIVE SENSORY, OF CHILDREN. Identifiers: Orphanet 970, MedGen C2752089, MONDO:0024309, OMIM 201300.

Allele frequency attached by ClinVar (database versions not stated): ExAC 0.00001; gnomAD 0.00001; gnomAD exomes 0.00001; 1000 Genomes Project 30x 0.00016; 1000 Genomes Project 0.00020.
gnomAD v4.1: 16 of 1,613,534 alleles (0.00099%); highest among the groups gnomAD compares: South Asian, 0.0077%; no homozygotes.

Submission:

Labcorp Genetics (formerly Invitae), Labcorp
Classification: Uncertain significance for Neuropathy, hereditary sensory and autonomic, type 2A; Generalized epilepsy with febrile seizures plus, type 7. Last evaluated: 2024-11-24. Review status: criteria provided, single submitter. Criteria: Invitae Variant Classification Sherloc (09022015). Collection method: clinical testing. Allele origin: germline.
Comment: This sequence change replaces valine, which is neutral and non-polar, with leucine, which is neutral and non-polar, at codon 242 of the SCN9A protein (p.Val242Leu). This variant is present in population databases (rs200011236, gnomAD 0.01%). This variant has not been reported in the literature in individuals affected with SCN9A-related conditions. ClinVar contains an entry for this variant (Variation ID: 946593). Invitae Evidence Modeling of protein sequence and biophysical properties (such as structural, functional, and spatial information, amino acid conservation, physicochemical variation, residue mobility, and thermodynamic stability) indicates that this missense variant is not expected to disrupt SCN9A protein function with a negative predictive value of 95%. In summary, the available evidence is currently insufficient to determine the role of this variant in disease. Therefore, it has been classified as a Variant of Uncertain Significance.

NM_001365536.1(SCN9A):c.724G>C (p.Val242Leu)

Gene: SCN9A (sodium voltage-gated channel alpha subunit 9; minus strand). Cytogenetic location: 2q24.3.
Variant type: single nucleotide variant.
Coding change: c.724G>C on transcript NM_001365536.1 (MANE Select); coding-DNA position 724, G replaced by C.
Protein change: p.Val242Leu; replaces valine 242 with leucine.
Molecular consequence: missense variant.
Genome position (GRCh38, 1-based): chr2:166,303,267, C>G on the plus strand (G>C on the coding strand, the complement: SCN9A is on the minus strand). VCF-style: chr2-166303267-C-G. GRCh37 (hg19) VCF-style: chr2-167159777-C-G.
Other names: c.724G>C, p.Val242Leu (NM_002977.4); short protein forms V242L.
Identifiers: ClinVar variation 946593 (VCV000946593.10), dbSNP rs200011236, ClinGen allele CA1944668.